The following is an entry in ClinVar:

ClinVar aggregate classification (germline): Pathogenic (1 of 4 stars; one submission).

Submission:

Labcorp Genetics (formerly Invitae), Labcorp
Classification: Pathogenic. Last evaluated: 2022-07-19. Review status: criteria provided, single submitter. Criteria: Invitae Variant Classification Sherloc (09022015). Collection method: clinical testing. Allele origin: germline.
Comment: This variant is a gross deletion of the genomic region encompassing exon(s) 7 of the DNAAF4 gene. This deletion is out-of-frame, and is expected to create a premature termination codon and result in an absent or disrupted protein product. Loss-of-function variants in DNAAF4 are known to be pathogenic (PMID: 23872636). A similar copy number variant has been observed in individuals with primary ciliary dyskinesia (PMID: 23872636, 24824133). For these reasons, this variant has been classified as Pathogenic.

Literature cited by the submitters: PubMed 23872636; PubMed 24824133.

NC_000015.9:g.(?_55731650)_(55731799_?)del

Gene: DNAAF4 (dynein axonemal assembly factor 4; minus strand). Cytogenetic location: 15q21.3.
Variant type: Deletion.
Identifiers: ClinVar variation 1069012 (VCV001069012.2).